The following is an entry in ClinVar:

ClinVar aggregate classification (germline): Benign/Likely benign. Review status: criteria provided, multiple submitters, no conflicts (2 of 4 stars). 3 submissions from 3 submitters: Benign (1); Likely benign (2). Last evaluated 2025-09-14.

Conditions:
Inborn genetic diseases. Identifiers: MedGen C0950123, MeSH D030342.
Developmental and epileptic encephalopathy, 27 (DEE27). Also called: GRIN2B-Related Neurodevelopmental Disorder; Epileptic encephalopathy, early infantile, 27. Identifiers: Orphanet 3451, MedGen C4015316, MONDO:0014505, OMIM 616139.
Intellectual developmental disorder, autosomal dominant 6, with or without seizures. Also called: GRIN2B-related developmental delay, intellectual disability and autism spectrum disorder; Intellectual disability, autosomal dominant 6. Identifiers: Orphanet 589547, MedGen C3151411, MONDO:0013509, OMIM 613970.

Allele frequency attached by ClinVar (database versions not stated): TOPMed 0.00001; ExAC 0.00003; gnomAD 0.00001; ESP Exome Variant Server 0.00008; gnomAD exomes 0.00006.
gnomAD v4.1: 42 of 1,612,894 alleles (0.0026%); highest among the groups gnomAD compares: East Asian, 0.0089%; no homozygotes.

Submissions (3):

Labcorp Genetics (formerly Invitae), Labcorp
Classification: Likely benign for Developmental and epileptic encephalopathy, 27; Intellectual developmental disorder, autosomal dominant 6, with or without seizures. Last evaluated: 2025-09-14. Review status: criteria provided, single submitter. Criteria: Invitae Variant Classification Sherloc (09022015). Collection method: clinical testing. Allele origin: germline.

Ambry Genetics
Classification: Benign for Inborn genetic diseases. Last evaluated: 2019-05-23. Review status: criteria provided, single submitter. Criteria: Ambry Variant Classification Scheme 2023. Collection method: clinical testing. Allele origin: germline.

GeneDx
Classification: Likely benign. Last evaluated: 2017-12-05. Review status: criteria provided, single submitter. Criteria: GeneDx Variant Classification (06012015). Collection method: clinical testing. Allele origin: germline. Affected: yes.
Comment: This variant is considered likely benign or benign based on one or more of the following criteria: it is a conservative change, it occurs at a poorly conserved position in the protein, it is predicted to be benign by multiple in silico algorithms, and/or has population frequency not consistent with disease.

NM_000834.5(GRIN2B):c.60C>T (p.Ala20=)

Gene: GRIN2B (glutamate ionotropic receptor NMDA type subunit 2B; minus strand). Cytogenetic location: 12p13.1.
Variant type: single nucleotide variant.
Coding change: c.60C>T on transcript NM_000834.5 (MANE Select); coding-DNA position 60, C replaced by T.
Protein change: p.Ala20=; no amino-acid change (alanine 20 retained).
Molecular consequence: synonymous variant.
Genome position (GRCh38, 1-based): chr12:13,866,149, G>A on the plus strand (C>T on the coding strand, the complement: GRIN2B is on the minus strand). VCF-style: chr12-13866149-G-A. GRCh37 (hg19) VCF-style: chr12-14019083-G-A.
Identifiers: ClinVar variation 513896 (VCV000513896.11), dbSNP rs371566007, ClinGen allele CA6461468.